The following is an entry in ClinVar:

NM_000152.5(GAA):c.1553_1555dup (p.Asp518_Met519insAsn)

Gene: GAA (alpha glucosidase; plus strand). Cytogenetic location: 17q25.3.
Variant type: Duplication.
Coding change: c.1553_1555dup on transcript NM_000152.5 (MANE Select); coding-DNA positions 1553 to 1555, 3 bases duplicated (ACA; older notation c.1553_1555dupACA).
Protein change: p.Asp518_Met519insAsn.
Molecular consequence: inframe insertion.
Genome position (GRCh38, 1-based): chr17:80,110,942-80,110,944, ACA duplicated. VCF-style (leftmost placement, unchanged base first): chr17-80110941-G-GACA. GRCh37 (hg19) VCF-style: chr17-78084740-G-GACA.
Other names: c.1553_1555dup, p.Asp518_Met519insAsn (NM_001079803.3, NM_001079804.3).
Identifiers: ClinVar variation 932901 (VCV000932901.10), dbSNP rs2039221468, ClinGen allele CA913186005.

ClinVar aggregate classification (germline): Uncertain significance. Review status: reviewed by expert panel (3 of 4 stars). 2 submissions from 2 submitters: Uncertain significance (1). 1 of the submissions does not count toward it. Last evaluated 2023-05-29.

Conditions:
Glycogen storage disease, type II (IOPD). Also called: GLYCOGENOSIS, GENERALIZED, CARDIAC FORM; GSD II; POMPE DISEASE, INFANTILE-ONSET; GLYCOGEN STORAGE DISEASE II, INFANTILE-ONSET; ACID ALPHA-GLUCOSIDASE DEFICIENCY, INFANTILE-ONSET; GAA DEFICIENCY, INFANTILE-ONSET. Identifiers: Orphanet 365, MedGen C0017921, MONDO:0009290, OMIM 232300.

Submissions (2):

ClinGen Lysosomal Storage Disorder Variant Curation Expert Panel
Classification: Uncertain significance for Glycogen storage disease, type II. Last evaluated: 2023-05-29. Review status: reviewed by expert panel. Criteria: clingen_lsd_acmg_specifications_v2-1. Collection method: curation. Allele origin: germline. Inheritance: Autosomal recessive inheritance.
Comment: The NM_000152.5:c.1553_1555dup variant in GAA is predicted to cause a change in the length of the protein (p.Asp518_Met519insAsn) due to an in-frame insertion of one amino acid in a non-repeat region (PM4_Supporting). The variant is absent in gnomAD v2.1.1 (PM2_Supporting). To our knowledge, this variant has not been reported in the literature in individuals with Pompe disease, and results of experimental studies are not available. PROVEAN and Mutation Taster predict that this variant will impact the function of GAA (PP3). The is a ClinVar entry for this variant (Variation ID: 932901). In summary, this variant meets the criteria to be classified as a variant of uncertain significance for Pompe disease. ACMG/AMP GAA-specific ACMG/AMP criteria applied, as specified by the ClinGen Lysosomal Diseases Variant Curation Expert Panel: PM2_Supporting, PM4_Supporting, PP3. (Classification approved by the ClinGen LD VCEP on May 29, 2023)

Labcorp Genetics (formerly Invitae), Labcorp
Classification: Uncertain significance for Glycogen storage disease, type II. Last evaluated: 2021-10-06. Review status: criteria provided, single submitter. Criteria: Invitae Variant Classification Sherloc (09022015). Collection method: clinical testing. Allele origin: germline. Not counted in ClinVar's aggregate classification.
Comment: This variant, c.1553_1555dup, results in the insertion of 1 amino acid(s) to the GAA protein (p.Asp518_Met519insAsn), but otherwise preserves the integrity of the reading frame. This variant is not present in population databases (ExAC no frequency). This variant has not been reported in the literature in individuals affected with GAA-related conditions. ClinVar contains an entry for this variant (Variation ID: 932901). Experimental studies and prediction algorithms are not available or were not evaluated, and the functional significance of this variant is currently unknown. In summary, the available evidence is currently insufficient to determine the role of this variant in disease. Therefore, it has been classified as a Variant of Uncertain Significance.